The following is an entry in ClinVar:

NM_016148.5(SHANK1):c.470A>G (p.Lys157Arg)

Gene: SHANK1 (SH3 and multiple ankyrin repeat domains 1; minus strand). Cytogenetic location: 19q13.33.
Variant type: single nucleotide variant.
Coding change: c.470A>G on transcript NM_016148.5 (MANE Select); coding-DNA position 470, A replaced by G.
Protein change: p.Lys157Arg; replaces lysine 157 with arginine.
Molecular consequence: missense variant.
Genome position (GRCh38, 1-based): chr19:50,715,720, T>C on the plus strand (A>G on the coding strand, the complement: SHANK1 is on the minus strand). VCF-style: chr19-50715720-T-C. GRCh37 (hg19) VCF-style: chr19-51218977-T-C.
Other names: short protein forms K157R.
Identifiers: ClinVar variation 4989022 (VCV004989022.1).

ClinVar aggregate classification (germline): Uncertain significance (1 of 4 stars; one submission).

Conditions:
SHANK1-related disorder. Also called: SHANK1-related condition.

Submission:

PreventionGenetics, part of Exact Sciences
Classification: Uncertain significance for SHANK1-related condition. Last evaluated: 2026-03-31. Review status: criteria provided, single submitter. Criteria: ACMG Guidelines, 2015. Collection method: clinical testing. Allele origin: germline.
Comment: The SHANK1 c.470A>G variant is predicted to result in the amino acid substitution p.Lys157Arg. To our knowledge, this variant has not been reported in the literature or in a large population database (gnomAD), indicating this variant is rare. At this time, the clinical significance of this variant is uncertain due to the absence of conclusive functional and genetic evidence.